The following is an entry in ClinVar:

ClinVar aggregate classification (germline): Benign (0 of 4 stars; one submission).

Conditions:
XIRP1-related disorder. Also called: XIRP1-related condition.

Allele frequency attached by ClinVar (database versions not stated): ExAC 0.00085; ESP Exome Variant Server 0.00208; gnomAD 0.00222; TOPMed 0.00282; 1000 Genomes Project 0.00319; 1000 Genomes Project 30x 0.00344.

Submission:

PreventionGenetics, part of Exact Sciences
Classification: Benign for XIRP1-related condition. Last evaluated: 2019-05-27. Review status: no assertion criteria provided. Collection method: clinical testing. Allele origin: germline.
Comment: This variant is classified as benign based on ACMG/AMP sequence variant interpretation guidelines (Richards et al. 2015 PMID: 25741868, with internal and published modifications).

NM_194293.4(XIRP1):c.3772C>A (p.Pro1258Thr)

Gene: XIRP1 (xin actin binding repeat containing 1; minus strand). Cytogenetic location: 3p22.2.
Variant type: single nucleotide variant.
Coding change: c.3772C>A on transcript NM_194293.4 (MANE Select); coding-DNA position 3772, C replaced by A.
Protein change: p.Pro1258Thr; replaces proline 1258 with threonine.
Molecular consequence: missense variant. On other transcripts: intron variant (2).
Genome position (GRCh38, 1-based): chr3:39,185,674, G>T on the plus strand (C>A on the coding strand, the complement: XIRP1 is on the minus strand). VCF-style: chr3-39185674-G-T. GRCh37 (hg19) VCF-style: chr3-39227165-G-T.
Other names: c.-167-13C>A (NM_001351377.2); c.3358-13C>A (NM_001198621.4); short protein forms P1258T.
Identifiers: ClinVar variation 3038836 (VCV003038836.2), dbSNP rs147417919, ClinGen allele CA2325976.
Genomic context (GRCh38, chr3:39,185,674, plus strand): 5'-CCTCAGCACGGTGGGCTCCAGCTGGAAAGTCAGGTCCTGTCACAGCAGCTGGGAGAGTAG[G>T]AGGAGGAGGAACAAAGGCATTATGGGGGTGCGGGCTGGCACCTGCAGCTTGGGGCCCAGA-3'
Protein context (NP_919269.2, residues 1248-1268): HPHNAFVPPP[Pro1258Thr]TLPAAVTGPD